The following is an entry in ClinVar:

ClinVar aggregate classification (germline): Uncertain significance. Review status: criteria provided, multiple submitters, no conflicts (2 of 4 stars). 3 submissions from 3 submitters: Uncertain significance (3). Last evaluated 2023-08-29.

Conditions:
Inborn genetic diseases. Identifiers: MedGen C0950123, MeSH D030342.

Allele frequency attached by ClinVar (database versions not stated): gnomAD 0.00001; gnomAD exomes 0.00001 and 0.00002; TOPMed 0.00001.
gnomAD v4.1: 35 of 1,613,948 alleles (0.0022%); highest among the groups gnomAD compares: Non-Finnish European, 0.003%; no homozygotes.

Submissions (3):

Ambry Genetics
Classification: Uncertain significance for Inborn genetic diseases. Last evaluated: 2023-08-29. Review status: criteria provided, single submitter. Criteria: Ambry Variant Classification Scheme 2023. Collection method: clinical testing. Allele origin: germline.

GeneDx
Classification: Uncertain significance. Last evaluated: 2022-03-30. Review status: criteria provided, single submitter. Criteria: GeneDx Variant Classification Process June 2021. Collection method: clinical testing. Allele origin: germline. Affected: yes.
Comment: Has not been previously published as pathogenic or benign to our knowledge; In silico analysis supports that this missense variant has a deleterious effect on protein structure/function

Greenwood Genetic Center Diagnostic Laboratories, Greenwood Genetic Center
Classification: Uncertain significance. Last evaluated: 2021-10-01. Review status: criteria provided, single submitter. Criteria: ACMG Guidelines, 2015. Collection method: clinical testing. Allele origin: germline. Affected: yes.
Comment: PP2, PP3

NM_007118.4(TRIO):c.9112C>T (p.Arg3038Cys)

Gene: TRIO (trio Rho guanine nucleotide exchange factor; plus strand). Cytogenetic location: 5p15.2.
Variant type: single nucleotide variant.
Coding change: c.9112C>T on transcript NM_007118.4 (MANE Select); coding-DNA position 9112, C replaced by T.
Protein change: p.Arg3038Cys; replaces arginine 3038 with cysteine.
Molecular consequence: missense variant. On other transcripts: non-coding transcript variant (1).
Genome position (GRCh38, 1-based): chr5:14,508,240, C>T. VCF-style: chr5-14508240-C-T. GRCh37 (hg19) VCF-style: chr5-14508349-C-T.
Other names: short protein forms R3038C.
Identifiers: ClinVar variation 1301196 (VCV001301196.8), dbSNP rs1321773037, ClinGen allele CA359241418.